The following is an entry in ClinVar:

NM_032043.3(BRIP1):c.151G>A (p.Gly51Arg)

Gene: BRIP1 (BRCA1 interacting DNA helicase 1; minus strand). Cytogenetic location: 17q23.2.
Variant type: single nucleotide variant.
Coding change: c.151G>A on transcript NM_032043.3 (MANE Select); coding-DNA position 151, G replaced by A.
Protein change: p.Gly51Arg; replaces glycine 51 with arginine.
Molecular consequence: missense variant.
Genome position (GRCh38, 1-based): chr17:61,859,850, C>T on the plus strand (G>A on the coding strand, the complement: BRIP1 is on the minus strand). VCF-style: chr17-61859850-C-T. GRCh37 (hg19) VCF-style: chr17-59937211-C-T.
Other names: short protein forms G51R.
Identifiers: ClinVar variation 819422 (VCV000819422.15), dbSNP rs1603367704, ClinGen allele CA400485762.

ClinVar aggregate classification (germline): Uncertain significance. Review status: criteria provided, multiple submitters, no conflicts (2 of 4 stars). 2 submissions from 2 submitters: Uncertain significance (2). Last evaluated 2024-06-24.

Conditions:
Familial cancer of breast. Also called: Hereditary breast cancer; hereditary breast carcinoma; BREAST CANCER, FAMILIAL. Identifiers: Orphanet 227535, MedGen C0346153, MONDO:0016419, OMIM 114480. Disease mechanism: loss of function.
Fanconi anemia complementation group J. Also called: BRIP1-Related Fanconi Anemia. Identifiers: Orphanet 84, MedGen C1836860, MONDO:0012187, OMIM 609054.
Hereditary cancer-predisposing syndrome. Also called: Hereditary Cancer Syndrome; Neoplastic Syndromes, Hereditary; Hereditary neoplastic syndrome; Tumor predisposition. Identifiers: Orphanet 140162, MedGen C0027672, MeSH D009386, MONDO:0015356.

Allele frequency attached by ClinVar (database versions not stated): TOPMed below 0.00001; gnomAD 0.00002.
gnomAD v4.1: 3 of 1,613,874 alleles (0.00019%); highest among the groups gnomAD compares: African/African-American, 0.004%; no homozygotes.

Submissions (2):

Labcorp Genetics (formerly Invitae), Labcorp
Classification: Uncertain significance for Familial cancer of breast; Fanconi anemia complementation group J. Last evaluated: 2024-06-24. Review status: criteria provided, single submitter. Criteria: Invitae Variant Classification Sherloc (09022015). Collection method: clinical testing. Allele origin: germline.
Comment: This sequence change replaces glycine, which is neutral and non-polar, with arginine, which is basic and polar, at codon 51 of the BRIP1 protein (p.Gly51Arg). This variant is not present in population databases (gnomAD no frequency). This variant has not been reported in the literature in individuals affected with BRIP1-related conditions. ClinVar contains an entry for this variant (Variation ID: 819422). Advanced modeling of protein sequence and biophysical properties (such as structural, functional, and spatial information, amino acid conservation, physicochemical variation, residue mobility, and thermodynamic stability) performed at Invitae indicates that this missense variant is expected to disrupt BRIP1 protein function with a positive predictive value of 80%. Algorithms developed to predict the effect of sequence changes on RNA splicing suggest that this variant may disrupt the consensus splice site. In summary, the available evidence is currently insufficient to determine the role of this variant in disease. Therefore, it has been classified as a Variant of Uncertain Significance.

Ambry Genetics
Classification: Uncertain significance for Hereditary cancer-predisposing syndrome. Last evaluated: 2022-10-28. Review status: criteria provided, single submitter. Criteria: Ambry Variant Classification Scheme 2023. Collection method: clinical testing. Allele origin: germline.
Comment: The p.G51R variant (also known as c.151G>A), located in coding exon 2 of the BRIP1 gene, results from a G to A substitution at nucleotide position 151. The glycine at codon 51 is replaced by arginine, an amino acid with dissimilar properties. This amino acid position is highly conserved in available vertebrate species. In addition, this alteration is predicted to be deleterious by in silico analysis. Since supporting evidence is limited at this time, the clinical significance of this alteration remains unclear.

Literature cited by the submitters: PubMed 25318351 (cited by Ambry Genetics).